The following is an entry in ClinVar:

Single allele

Gene: ZDHHC11 (zDHHC palmitoyltransferase 11; minus strand). Cytogenetic location: 5p15.33.
Variant type: Deletion.
Identifiers: ClinVar variation 156954 (VCV000156954.2).

ClinVar aggregate classification (germline): not provided (0 of 4 stars; one submission).

Conditions:
Gestational diabetes mellitus uncontrolled. Identifiers: MedGen C3532257.

Submission:

Institute of Molecular and Cell Biology, University of Tartu
No classification provided. Condition: Gestational diabetes mellitus uncontrolled. Review status: no classification provided. Collection method: case-control. Allele origin: unknown. Affected: yes. Study: Kasak2014.
Comment: The study aimed to determine the contribution of copy number variants in the genetic etiology of normal and complicated pregnancies. The samples represented (i) maternal blood DNA drawn from healthy pregnant women during 1st or 2nd trimester and (ii) maternal and paternal blood DNA drawn at term pregnancy cases representing normal and complicated gestations (severe preeclampsia, PE; gestational diabetes, GD; small-for-gestational age newborn, SGA; large-for-gestational age newborn, LGA). We performed CNV calling based on genome-wide genotyping dataset (Illumina HumanOmniExpress-24-v1 BeadChip) by applying three algorithms, QuantiSNP, GADA (Genome Alteration Detection Algorithm) and CNstream in parallel. The acquired CNV calls were merged with HD-CNV (Hotspot Detector for Copy Number Variants) program and only the CNVs predicted by at least two programs, were considered in subsequent analysis.

Literature cited by the submitters: PubMed 25666259.